The following is an entry in ClinVar:

NM_000051.4(ATM):c.3366del (p.Asn1122fs)

Gene: ATM (ATM serine/threonine kinase; plus strand). Cytogenetic location: 11q22.3.
Variant type: Deletion.
Coding change: c.3366del on transcript NM_000051.4 (MANE Select); coding-DNA position 3366, one base deleted (T; older notation c.3366delT).
Protein change: p.Asn1122fs; shifts the reading frame from asparagine 1122.
Molecular consequence: frameshift variant.
Genome position (GRCh38, 1-based): chr11:108,279,572, T deleted. VCF-style (leftmost placement, unchanged base first): chr11-108279571-AT-A. GRCh37 (hg19) VCF-style: chr11-108150298-AT-A.
Other names: c.3366del, p.Asn1122fs (NM_001351834.2); short protein forms N1122fs.
Identifiers: ClinVar variation 2099625 (VCV002099625.4), dbSNP rs2546862649, ClinGen allele CA2580082980.

ClinVar aggregate classification (germline): Pathogenic (1 of 4 stars; one submission).

Conditions:
Ataxia-telangiectasia syndrome (AT). Also called: AT, COMPLEMENTATION GROUP C; Ataxia telangiectasia (A-T); LOUIS-BAR SYNDROME; Ataxia-telangiectasia, complementation group D; Ataxia-telangiectasia, complementation group E; ATAXIA-TELANGIECTASIA, COMPLEMENTATION GROUP A. Identifiers: Orphanet 100, MedGen C0004135, MONDO:0008840, OMIM 208900.

Submission:

Labcorp Genetics (formerly Invitae), Labcorp
Classification: Pathogenic for Ataxia-telangiectasia syndrome. Last evaluated: 2022-02-19. Review status: criteria provided, single submitter. Criteria: Invitae Variant Classification Sherloc (09022015). Collection method: clinical testing. Allele origin: germline.
Comment: For these reasons, this variant has been classified as Pathogenic. This variant has not been reported in the literature in individuals affected with ATM-related conditions. This variant is not present in population databases (gnomAD no frequency). This sequence change creates a premature translational stop signal (p.Asn1122Lysfs*4) in the ATM gene. It is expected to result in an absent or disrupted protein product. Loss-of-function variants in ATM are known to be pathogenic (PMID: 23807571, 25614872).

Literature cited by the submitters: PubMed 23807571; PubMed 25614872.